The following is an entry in ClinVar:

NM_000487.6(ARSA):c.412C>G (p.Pro138Ala)

Gene: ARSA (arylsulfatase A; minus strand). Cytogenetic location: 22q13.33.
Variant type: single nucleotide variant.
Coding change: c.412C>G on transcript NM_000487.6 (MANE Select); coding-DNA position 412, C replaced by G.
Protein change: p.Pro138Ala; replaces proline 138 with alanine.
Molecular consequence: missense variant.
Genome position (GRCh38, 1-based): chr22:50,627,219, G>C on the plus strand (C>G on the coding strand, the complement: ARSA is on the minus strand). VCF-style: chr22-50627219-G-C. GRCh37 (hg19) VCF-style: chr22-51065647-G-C.
Other names: c.412C>G, p.Pro138Ala (NM_001085425.3, NM_001085426.3, NM_001085427.3); c.154C>G, p.Pro52Ala (NM_001085428.3, NM_001362782.2); short protein forms P138A, P52A.
Identifiers: ClinVar variation 2870118 (VCV002870118.4), dbSNP rs60504011, ClinGen allele CA325531576.

ClinVar aggregate classification (germline): Conflicting classifications of pathogenicity. Review status: criteria provided, conflicting classifications (1 of 4 stars). 2 submissions from 2 submitters: Likely pathogenic (1); Uncertain significance (1). Last evaluated 2026-05-04.

Conditions:
Metachromatic leukodystrophy (MLD). Also called: METACHROMATIC LEUKOENCEPHALOPATHY; ARSA DEFICIENCY; CEREBROSIDE SULFATASE DEFICIENCY; SULFATIDE LIPIDOSIS; Cerebral sclerosis diffuse metachromatic form; Arylsulfatase A Deficiency. Identifiers: Orphanet 512, MedGen C0023522, MONDO:0018868, OMIM 250100.

Allele frequency attached by ClinVar (database versions not stated): TOPMed below 0.00001.

Submissions (2):

Myriad Genetics, Inc.
Classification: Uncertain significance for Metachromatic leukodystrophy. Last evaluated: 2026-05-04. Review status: criteria provided, single submitter. Criteria: Myriad Autosomal Dominant, Autosomal Recessive and X-Linked Classification Criteria (2023). Collection method: clinical testing. Allele origin: unknown.
Comment: NM_000487.5(ARSA):c.412C>G(P138A) is a missense variant classified as a variant of uncertain significance in the context of metachromatic leukodystrophy. P138A has not been observed in cases with relevant disease. Relevant functional assessments of this variant are not available in the literature. P138A has not been observed in referenced population frequency databases. In summary, there is insufficient evidence to classify NM_000487.5(ARSA):c.412C>G(P138A) as pathogenic or benign. Please note: this variant was assessed in the context of healthy population screening.

Labcorp Genetics (formerly Invitae), Labcorp
Classification: Likely pathogenic for Metachromatic leukodystrophy. Last evaluated: 2023-07-29. Review status: criteria provided, single submitter. Criteria: Invitae Variant Classification Sherloc (09022015). Collection method: clinical testing. Allele origin: germline.
Comment: This sequence change replaces proline, which is neutral and non-polar, with alanine, which is neutral and non-polar, at codon 138 of the ARSA protein (p.Pro138Ala). This variant is not present in population databases (gnomAD no frequency). This variant has not been reported in the literature in individuals affected with ARSA-related conditions. Advanced modeling of protein sequence and biophysical properties (such as structural, functional, and spatial information, amino acid conservation, physicochemical variation, residue mobility, and thermodynamic stability) performed at Invitae indicates that this missense variant is expected to disrupt ARSA protein function. This variant disrupts the p.Pro138 amino acid residue in ARSA. Other variant(s) that disrupt this residue have been determined to be pathogenic (PMID: 7860068, 22854541). This suggests that this residue is clinically significant, and that variants that disrupt this residue are likely to be disease-causing. In summary, the currently available evidence indicates that the variant is pathogenic, but additional data are needed to prove that conclusively. Therefore, this variant has been classified as Likely Pathogenic.

Literature cited by the submitters: PubMed 7860068 (cited by Labcorp Genetics (formerly Invitae), Labcorp); PubMed 22854541 (cited by Labcorp Genetics (formerly Invitae), Labcorp).